The following is an entry in ClinVar:

NM_005739.4(RASGRP1):c.1298G>A (p.Arg433Gln)

Gene: RASGRP1 (RAS guanyl releasing protein 1; minus strand). Cytogenetic location: 15q14.
Variant type: single nucleotide variant.
Coding change: c.1298G>A on transcript NM_005739.4 (MANE Select); coding-DNA position 1298, G replaced by A.
Protein change: p.Arg433Gln; replaces arginine 433 with glutamine.
Molecular consequence: missense variant.
Genome position (GRCh38, 1-based): chr15:38,505,865, C>T on the plus strand (G>A on the coding strand, the complement: RASGRP1 is on the minus strand). VCF-style: chr15-38505865-C-T. GRCh37 (hg19) VCF-style: chr15-38798066-C-T.
Other names: c.1298G>A, p.Arg433Gln (NM_001128602.2, NM_001306086.2); short protein forms R433Q.
Identifiers: ClinVar variation 1448673 (VCV001448673.8), dbSNP rs1200982458, ClinGen allele CA391665673.

ClinVar aggregate classification (germline): Uncertain significance (1 of 4 stars; one submission).

Allele frequency attached by ClinVar (database versions not stated): gnomAD exomes below 0.00001.
gnomAD v4.1: 4 of 1,611,664 alleles (0.00025%); highest among the groups gnomAD compares: Non-Finnish European, 0.00034%; no homozygotes.

Submission:

Labcorp Genetics (formerly Invitae), Labcorp
Classification: Uncertain significance. Last evaluated: 2022-06-27. Review status: criteria provided, single submitter. Criteria: Invitae Variant Classification Sherloc (09022015). Collection method: clinical testing. Allele origin: germline.
Comment: This variant has not been reported in the literature in individuals affected with RASGRP1-related conditions. Algorithms developed to predict the effect of missense changes on protein structure and function (SIFT, PolyPhen-2, Align-GVGD) all suggest that this variant is likely to be disruptive. Algorithms developed to predict the effect of sequence changes on RNA splicing suggest that this variant may create or strengthen a splice site. In summary, the available evidence is currently insufficient to determine the role of this variant in disease. Therefore, it has been classified as a Variant of Uncertain Significance. This variant is not present in population databases (gnomAD no frequency). This sequence change replaces arginine, which is basic and polar, with glutamine, which is neutral and polar, at codon 433 of the RASGRP1 protein (p.Arg433Gln).